The following is an entry in ClinVar:

ClinVar aggregate classification (germline): Uncertain significance. Review status: criteria provided, multiple submitters, no conflicts (2 of 4 stars). 2 submissions from 2 submitters: Uncertain significance (2). Last evaluated 2026-10-01.

Conditions:
GNAS-related disorder. Identifiers: MedGen CN380105.
Predisposition to medulloblastoma.

gnomAD v4.1: 9 of 1,609,726 alleles (0.00056%); highest among the groups gnomAD compares: Non-Finnish European, 0.00076%; no homozygotes.

Submissions (2):

St. Jude Molecular Pathology, St. Jude Children's Research Hospital
Classification: Uncertain significance for Predisposition to medulloblastoma. Last evaluated: 2026-10-01. Review status: criteria provided, single submitter. Criteria: St. Jude Assertion Criteria 2020. Collection method: clinical testing. Allele origin: germline.
Comment: The GNAS c.653C>T p.(Pro218Leu) missense change has a maximum subpopulation frequency of 0.0009% in gnomAD v2.1.1. The in silico tool REVEL is inconclusive about a pathogenic or benign effect of this variant on protein function, and to our knowledge functional studies have not been performed. To our knowledge, this variant has not been reported in the literature in individuals with GNAS-associated conditions. In summary, the evidence currently available is insufficient to determine the clinical significance of this variant. It has therefore been classified as of uncertain significance (VUS-Low).

PreventionGenetics, part of Exact Sciences
Classification: Uncertain significance for GNAS-related condition. Last evaluated: 2026-01-20. Review status: criteria provided, single submitter. Criteria: ACMG Guidelines, 2015. Collection method: clinical testing. Allele origin: germline.
Comment: The GNAS c.653C>T variant is predicted to result in the amino acid substitution p.Pro218Leu. To our knowledge, this variant has not been reported in the literature. This variant is reported in 0.00094% of alleles in individuals of European (Non-Finnish) descent in gnomAD. At this time, the clinical significance of this variant is uncertain due to the absence of conclusive functional and genetic evidence.

NM_080425.4(GNAS):c.653C>T (p.Pro218Leu)

Gene: GNAS (GNAS complex locus; plus strand). Cytogenetic location: 20q13.32.
Variant type: single nucleotide variant.
Coding change: c.653C>T on transcript NM_080425.4 (MANE Plus Clinical); coding-DNA position 653, C replaced by T.
Protein change: p.Pro218Leu; replaces proline 218 with leucine.
Molecular consequence: missense variant. On other transcripts: intron variant (3).
Genome position (GRCh38, 1-based): chr20:58,853,918, C>T. VCF-style: chr20-58853918-C-T. GRCh37 (hg19) VCF-style: chr20-57428973-C-T.
Other names: c.466C>T, p.Leu156Phe (NM_001077490.3, NM_001309883.1); c.653C>T, p.Pro218Leu (NM_001410913.1); c.*42+13032C>T (NM_016592.5); c.43+13032C>T (NM_001410912.1); c.-39+12043C>T (NM_001309861.2); short protein forms L156F, P218L.
Identifiers: ClinVar variation 4999603 (VCV004999603.2).
Genomic context (GRCh38, chr20:58,853,918, plus strand): 5'-CTCCCGAGGAGCCCCAAGCCCTCAGGCCTGCAAAGGCTGGCTCCAGAGGAGGCTACAGCC[C>T]TCCCCCTGAGGAGACTATGCCATTTGAGCTTGATGGAGAAGGATTTGGGGACGACAGCCC-3'
Protein context (NP_536350.2, residues 208-228): AKAGSRGGYS[Pro218Leu]PPEETMPFEL